The following is an entry in ClinVar:

NM_000113.3(TOR1A):c.769T>G (p.Leu257Val)

Gene: TOR1A (torsin family 1 member A; minus strand). Cytogenetic location: 9q34.11.
Variant type: single nucleotide variant.
Coding change: c.769T>G on transcript NM_000113.3 (MANE Select); coding-DNA position 769, T replaced by G.
Protein change: p.Leu257Val; replaces leucine 257 with valine.
Molecular consequence: missense variant.
Genome position (GRCh38, 1-based): chr9:129,814,202, A>C on the plus strand (T>G on the coding strand, the complement: TOR1A is on the minus strand). VCF-style: chr9-129814202-A-C. GRCh37 (hg19) VCF-style: chr9-132576481-A-C.
Other names: short protein forms L257V.
Identifiers: ClinVar variation 852503 (VCV000852503.10), dbSNP rs201368848, ClinGen allele CA5278538.
Genomic context (GRCh38, chr9:129,814,202, plus strand): 5'-GGTGTTTGTATTCCAGGGGGAGGAAGGGAACAAAATAATCAATGAGGTTCCGGTCAATTA[A>C]GCTGCTGTGCCAGAAGCCACCTGGGAAGAAGAAACAAGGTGCTGTTCATCCACATCCACC-3'
Protein context (NP_000104.1, residues 247-267): NKNSGFWHSS[Leu257Val]IDRNLIDYFV

ClinVar aggregate classification (germline): Uncertain significance. Review status: criteria provided, multiple submitters, no conflicts (2 of 4 stars). 3 submissions from 3 submitters: Uncertain significance (3). Last evaluated 2025-07-13.

Conditions:
Inborn genetic diseases. Identifiers: MedGen C0950123, MeSH D030342.
Dystonic disorder. Also called: Dystonia. Identifiers: MedGen C0013421, MONDO:0003441, HP:0001332.

Allele frequency attached by ClinVar (database versions not stated): gnomAD exomes 0.00003 and 0.00013; ExAC 0.00012; gnomAD 0.00013 and 0.00014; TOPMed 0.00017; ESP Exome Variant Server 0.00038.
gnomAD v4.1: 85 of 1,613,988 alleles (0.0053%); highest among the groups gnomAD compares: East Asian, 0.071%; no homozygotes.

Submissions (3):

Labcorp Genetics (formerly Invitae), Labcorp
Classification: Uncertain significance for Dystonic disorder. Last evaluated: 2025-07-13. Review status: criteria provided, single submitter. Criteria: Invitae Variant Classification Sherloc (09022015). Collection method: clinical testing. Allele origin: germline.
Comment: This sequence change replaces leucine, which is neutral and non-polar, with valine, which is neutral and non-polar, at codon 257 of the TOR1A protein (p.Leu257Val). This variant is present in population databases (rs201368848, gnomAD 0.1%). This variant has not been reported in the literature in individuals affected with TOR1A-related conditions. ClinVar contains an entry for this variant (Variation ID: 852503). Invitae Evidence Modeling of protein sequence and biophysical properties (such as structural, functional, and spatial information, amino acid conservation, physicochemical variation, residue mobility, and thermodynamic stability) indicates that this missense variant is not expected to disrupt TOR1A protein function with a negative predictive value of 80%. In summary, the available evidence is currently insufficient to determine the role of this variant in disease. Therefore, it has been classified as a Variant of Uncertain Significance.

GeneDx
Classification: Uncertain significance. Last evaluated: 2025-03-27. Review status: criteria provided, single submitter. Criteria: GeneDx Variant Classification Process June 2021. Collection method: clinical testing. Allele origin: germline. Affected: yes.
Comment: In silico analysis indicates that this missense variant does not alter protein structure/function; Has not been previously published as pathogenic or benign to our knowledge

Ambry Genetics
Classification: Uncertain significance for Inborn genetic diseases. Last evaluated: 2025-03-07. Review status: criteria provided, single submitter. Criteria: Ambry Variant Classification Scheme 2023. Collection method: clinical testing. Allele origin: germline.